The following is an entry in ClinVar:

ClinVar aggregate classification (germline): Likely benign. Review status: criteria provided, multiple submitters, no conflicts (2 of 4 stars). 3 submissions from 3 submitters: Likely benign (2). 1 of the submissions does not count toward it. Last evaluated 2024-05-10.

Conditions:
TCOF1-related disorder. Also called: TCOF1-related condition.
Treacher Collins syndrome 1 (TCS1). Also called: TCOF1-Related Treacher Collins Syndrome. Identifiers: Orphanet 861, MedGen CN315775, MONDO:0007944, OMIM 154500.

Allele frequency attached by ClinVar (database versions not stated): ExAC 0.00001.

Submissions (3):

Blueprint Genetics
Classification: Likely benign. Last evaluated: 2024-05-10. Review status: criteria provided, single submitter. Criteria: ACMG Guidelines, 2015. Collection method: clinical testing. Allele origin: germline.

Labcorp Genetics (formerly Invitae), Labcorp
Classification: Likely benign for Treacher Collins syndrome 1. Last evaluated: 2023-09-22. Review status: criteria provided, single submitter. Criteria: Invitae Variant Classification Sherloc (09022015). Collection method: clinical testing. Allele origin: germline.

PreventionGenetics, part of Exact Sciences
Classification: Likely benign for TCOF1-related condition. Last evaluated: 2021-08-19. Review status: no assertion criteria provided. Collection method: clinical testing. Allele origin: germline. Not counted in ClinVar's aggregate classification.
Comment: This variant is classified as likely benign based on ACMG/AMP sequence variant interpretation guidelines (Richards et al. 2015 PMID: 25741868, with internal and published modifications).

NM_001371623.1(TCOF1):c.1629G>A (p.Glu543=)

Gene: TCOF1 (treacle ribosome biogenesis factor 1; plus strand). Cytogenetic location: 5q32.
Variant type: single nucleotide variant.
Coding change: c.1629G>A on transcript NM_001371623.1 (MANE Select); coding-DNA position 1629, G replaced by A.
Protein change: p.Glu543=; no amino-acid change (glutamic acid 543 retained).
Molecular consequence: synonymous variant.
Genome position (GRCh38, 1-based): chr5:150,375,479, G>A. VCF-style: chr5-150375479-G-A. GRCh37 (hg19) VCF-style: chr5-149755042-G-A.
Other names: c.1629G>A (NM_001135243.1); c.1398G>A, p.Glu466= (NM_000356.4, NM_001135245.2); c.1629G>A, p.Glu543= (NM_001008657.3, NM_001135243.2, NM_001135244.2 and 1 more transcripts).
Identifiers: ClinVar variation 2915713 (VCV002915713.6), dbSNP rs138254692, ClinGen allele CA3510932.